The following is an entry in ClinVar:

NM_016239.4(MYO15A):c.7893+1G>C

Gene: MYO15A (myosin XVA; plus strand). Cytogenetic location: 17p11.2.
Variant type: single nucleotide variant.
Coding change: c.7893+1G>C on transcript NM_016239.4 (MANE Select); the canonical splice donor site of the intron after coding-DNA position 7893, G replaced by C.
Molecular consequence: splice donor variant.
Genome position (GRCh38, 1-based): chr17:18,151,952, G>C. VCF-style: chr17-18151952-G-C. GRCh37 (hg19) VCF-style: chr17-18055266-G-C.
Identifiers: ClinVar variation 5019747 (VCV005019747.1).
Genomic context (GRCh38, chr17:18,151,952, plus strand): 5'-GAGGCCCTGATGATCCTGAAAGGGCAGATGACCCACCTGGCAGCTGCACCTGGCACCCAG[G>C]TGAGGGGGGAAGGTGGGGCTGAGCCCAGGTGGAACAGAAGACAAAGAGGGGCCTCAGGGA-3'

ClinVar aggregate classification (germline): Likely pathogenic (1 of 4 stars; one submission).

Conditions:
Autosomal recessive nonsyndromic hearing loss 3. Also called: NEUROSENSORY NONSYNDROMIC RECESSIVE DEAFNESS 3. Identifiers: Orphanet 90636, MedGen C1838263, MONDO:0010860, OMIM 600316.

Submission:

Juno Genomics, Hangzhou Juno Genomics, Inc
Classification: Likely pathogenic for Autosomal recessive nonsyndromic hearing loss 3. Review status: criteria provided, single submitter. Criteria: ACMG Guidelines, 2015. Collection method: clinical testing. Allele origin: germline. Affected: yes.
Comment: Absent from controls (or at extremely low frequency if recessive) in Genome Aggregation Database.;Null variant in a gene where loss of function (LOF) is a known mechanism of disease.